The following is an entry in ClinVar:

ClinVar aggregate classification (germline): Conflicting classifications of pathogenicity. Review status: criteria provided, conflicting classifications (1 of 4 stars). 3 submissions from 3 submitters: Uncertain significance (1); Likely benign (2). Last evaluated 2025-04-27.

Conditions:
Neuromuscular disease caused by qualitative or quantitative defects of dysferlin. Also called: Dysferlinopathy; Qualitative or quantitative defects of dysferlin. Identifiers: Orphanet 207073, MedGen C2931687, MONDO:0016145.

Allele frequency attached by ClinVar (database versions not stated): gnomAD 0.00001; TOPMed 0.00003; ExAC 0.00006; gnomAD exomes 0.00008.
gnomAD v4.1: 22 of 1,613,976 alleles (0.0014%); highest among the groups gnomAD compares: Admixed American, 0.032%; no homozygotes.

Submissions (3):

Labcorp Genetics (formerly Invitae), Labcorp
Classification: Likely benign for Neuromuscular disease caused by qualitative or quantitative defects of dysferlin. Last evaluated: 2025-04-27. Review status: criteria provided, single submitter. Criteria: Invitae Variant Classification Sherloc (09022015). Collection method: clinical testing. Allele origin: germline.

GeneDx
Classification: Likely benign. Last evaluated: 2016-04-01. Review status: criteria provided, single submitter. Criteria: GeneDx Variant Classification (06012015). Collection method: clinical testing. Allele origin: germline. Affected: yes.
Comment: This variant is considered likely benign or benign based on one or more of the following criteria: it is a conservative change, it occurs at a poorly conserved position in the protein, it is predicted to be benign by multiple in silico algorithms, and/or has population frequency not consistent with disease.

Eurofins Ntd Llc (ga)
Classification: Uncertain significance. Last evaluated: 2015-12-04. Review status: criteria provided, single submitter. Criteria: EGL Classification Definitions 2015. Collection method: clinical testing. Allele origin: germline. Observed: 1 variant allele, 1 heterozygote.

NM_001130987.2(DYSF):c.6174-8G>A

Gene: DYSF (dysferlin; plus strand). Cytogenetic location: 2p13.2.
Variant type: single nucleotide variant.
Coding change: c.6174-8G>A on transcript NM_001130987.2 (MANE Select); 8 bases into the intron before coding-DNA position 6174, G replaced by A.
Molecular consequence: intron variant.
Genome position (GRCh38, 1-based): chr2:71,682,522, G>A. VCF-style: chr2-71682522-G-A. GRCh37 (hg19) VCF-style: chr2-71909652-G-A.
Other names: c.6150-8G>A (NM_001130979.2); c.6171-8G>A (NM_001130981.2); c.6108-8G>A (NM_001130980.2); c.6120-8G>A (NM_001130978.2); c.6057-8G>A (NM_003494.4); c.6078-8G>A (NM_001130977.2); c.6015-8G>A (NM_001130976.2); c.6153-8G>A (NM_001130982.2); and 5 more.
Identifiers: ClinVar variation 285061 (VCV000285061.15), dbSNP rs777167646, ClinGen allele CA1707636.